The following is an entry in ClinVar:

ClinVar aggregate classification (germline): Uncertain significance. Review status: criteria provided, multiple submitters, no conflicts (2 of 4 stars). 4 submissions from 4 submitters: Uncertain significance (4). Last evaluated 2025-10-16.

Conditions:
Cardiovascular phenotype. Identifiers: MedGen CN230736.
Long QT syndrome (LQTS). Identifiers: MedGen C0023976, MeSH D008133, MONDO:0002442. Disease mechanism: loss of function. Inheritance: Various modes of inheritance.
Cardiac arrhythmia, ankyrin-B-related. Also called: ANKYRIN-B SYNDROME. Identifiers: Orphanet 101016, Orphanet 768, MedGen C1970119, MONDO:0010958, OMIM 600919.

Allele frequency attached by ClinVar (database versions not stated): gnomAD 0.00001 and 0.00002; TOPMed 0.00002; ExAC 0.00003.
gnomAD v4.1: 111 of 1,613,828 alleles (0.0069%); highest among the groups gnomAD compares: Non-Finnish European, 0.009%; no homozygotes.

Submissions (4):

Labcorp Genetics (formerly Invitae), Labcorp
Classification: Uncertain significance for Long QT syndrome. Last evaluated: 2025-10-16. Review status: criteria provided, single submitter. Criteria: Invitae Variant Classification Sherloc (09022015). Collection method: clinical testing. Allele origin: germline.
Comment: This sequence change replaces valine, which is neutral and non-polar, with leucine, which is neutral and non-polar, at codon 3059 of the ANK2 protein (p.Val3059Leu). This variant is present in population databases (rs761458371, gnomAD 0.005%). This variant has not been reported in the literature in individuals affected with ANK2-related conditions. ClinVar contains an entry for this variant (Variation ID: 1055348). An algorithm developed to predict the effect of missense changes on protein structure and function (PolyPhen-2) suggests that this variant is likely to be disruptive. In summary, the available evidence is currently insufficient to determine the role of this variant in disease. Therefore, it has been classified as a Variant of Uncertain Significance.

Fulgent Genetics
Classification: Uncertain significance for Cardiac arrhythmia, ankyrin-B-related. Last evaluated: 2021-07-23. Review status: criteria provided, single submitter. Criteria: ACMG Guidelines, 2015. Collection method: clinical testing. Allele origin: unknown.

GeneDx
Classification: Uncertain significance. Last evaluated: 2020-03-26. Review status: criteria provided, single submitter. Criteria: GeneDx Variant Classification Process June 2021. Collection method: clinical testing. Allele origin: germline. Affected: yes.
Comment: Has not been previously published as pathogenic or benign to our knowledge; In silico analysis supports that this missense variant does not alter protein structure/function

Ambry Genetics
Classification: Uncertain significance for Cardiovascular phenotype. Last evaluated: 2020-01-09. Review status: criteria provided, single submitter. Criteria: Ambry Variant Classification Scheme 2023. Collection method: clinical testing. Allele origin: germline.
Comment: The p.V3059L variant (also known as c.9175G>T), located in coding exon 38 of the ANK2 gene, results from a G to T substitution at nucleotide position 9175. This exon is expressed solely in brain (Mohler PJ et al. Circulation. 2007;115(4):432-41). The valine at codon 3059 is replaced by leucine, an amino acid with highly similar properties. This amino acid position is well conserved in available vertebrate species. In addition, the in silico prediction for this alteration is inconclusive. Since supporting evidence is limited at this time, the clinical significance of this alteration remains unclear.

NM_001148.6(ANK2):c.9175G>T (p.Val3059Leu)

Gene: ANK2 (ankyrin 2; plus strand). Cytogenetic location: 4q26.
Variant type: single nucleotide variant.
Coding change: c.9175G>T on transcript NM_001148.6 (MANE Select); coding-DNA position 9175, G replaced by T.
Protein change: p.Val3059Leu; replaces valine 3059 with leucine.
Molecular consequence: missense variant. On other transcripts: intron variant (68).
Genome position (GRCh38, 1-based): chr4:113,357,793, G>T. VCF-style: chr4-113357793-G-T. GRCh37 (hg19) VCF-style: chr4-114278949-G-T.
Other names: c.8941G>T, p.Val2981Leu (NM_001386142.1); c.5575G>T, p.Val1859Leu (NM_001386166.1); c.9316G>T, p.Val3106Leu (NM_001386174.1); c.9292G>T, p.Val3098Leu (NM_001386175.1); c.4412-3030G>T (NM_001386186.2, NM_001386148.2); c.4214-3030G>T (NM_001354269.3); c.4292-3030G>T (NM_001386187.2); c.4253-3030G>T (NM_001386147.1); and 35 more; short protein forms V1859L, V2981L, V3059L, V3098L, V3106L.
Identifiers: ClinVar variation 1055348 (VCV001055348.11), dbSNP rs761458371, ClinGen allele CA3051880.
Genomic context (GRCh38, chr4:113,357,793, plus strand): 5'-GATGTGGATTCTGATTCTTGGAGTGAAATTCGGGAAGACGATGAAGCCTTTGAGGCTCGT[G>T]TGAAAGAGGAAGAACAAAAGATATTTGGTTTGATGGTAGACAGACAATCACAGGGTACCA-3'
Protein context (NP_001139.3, residues 3049-3069): REDDEAFEAR[Val3059Leu]KEEEQKIFGL